The following is an entry in ClinVar:

ClinVar aggregate classification (germline): Likely benign. Review status: criteria provided, single submitter (1 of 4 stars). 2 submissions from 2 submitters: Likely benign (1). 1 of the submissions does not count toward it. Last evaluated 2025-10-09.

Conditions:
DNAH8-related disorder. Also called: DNAH8-related condition.
Primary ciliary dyskinesia. Also called: Ciliary dyskinesia. Identifiers: Orphanet 244, MedGen C0008780, MONDO:0016575, HP:0012265.

Allele frequency attached by ClinVar (database versions not stated): TOPMed 0.00002; gnomAD exomes 0.00005.
gnomAD v4.1: 74 of 1,613,692 alleles (0.0046%); highest among the groups gnomAD compares: Middle Eastern, 0.049%; no homozygotes.

Submissions (2):

Labcorp Genetics (formerly Invitae), Labcorp
Classification: Likely benign for Primary ciliary dyskinesia. Last evaluated: 2025-10-09. Review status: criteria provided, single submitter. Criteria: Invitae Variant Classification Sherloc (09022015). Collection method: clinical testing. Allele origin: germline.

PreventionGenetics, part of Exact Sciences
Classification: Likely benign for DNAH8-related condition. Last evaluated: 2024-08-02. Review status: no assertion criteria provided. Collection method: clinical testing. Allele origin: germline. Not counted in ClinVar's aggregate classification.
Comment: This variant is classified as likely benign based on ACMG/AMP sequence variant interpretation guidelines (Richards et al. 2015 PMID: 25741868, with internal and published modifications).

NM_001206927.2(DNAH8):c.10998T>C (p.Asp3666=)

Genes: DNAH8-AS1 (DNAH8 antisense RNA 1; minus strand), DNAH8 (dynein axonemal heavy chain 8; plus strand). Cytogenetic location: 6p21.2.
Variant type: single nucleotide variant.
Coding change: c.10998T>C on transcript NM_001206927.2 (MANE Select); coding-DNA position 10998, T replaced by C.
Protein change: p.Asp3666=; no amino-acid change (aspartic acid 3666 retained).
Molecular consequence: synonymous variant.
Genome position (GRCh38, 1-based): chr6:38,926,090, T>C. VCF-style: chr6-38926090-T-C. GRCh37 (hg19) VCF-style: chr6-38893866-T-C.
Other names: c.10347T>C, p.Asp3449= (NM_001371.4).
Identifiers: ClinVar variation 700338 (VCV000700338.9), dbSNP rs201841900, ClinGen allele CA3790891.
Genomic context (GRCh38, chr6:38,926,090, plus strand): 5'-GTGATATCCATTTCCTGTTGTTCAGATTGGTGAGTGGGGGCTACAGGGATTACCAGGAGA[T>C]GATCTCTCAATTCAGAATGGCATTATTGTGACAAAGGCCACCAGATACCCACTCCTCATA-3'
Protein context (NP_001193856.1, residues 3656-3676): GEWGLQGLPG[Asp3666=]DLSIQNGIIV